The following is an entry in ClinVar:

NM_003978.5(PSTPIP1):c.539G>A (p.Cys180Tyr)

Gene: PSTPIP1 (proline-serine-threonine phosphatase interacting protein 1; plus strand). Cytogenetic location: 15q24.3.
Variant type: single nucleotide variant.
Coding change: c.539G>A on transcript NM_003978.5 (MANE Select); coding-DNA position 539, G replaced by A.
Protein change: p.Cys180Tyr; replaces cysteine 180 with tyrosine.
Molecular consequence: missense variant. On other transcripts: non-coding transcript variant (1).
Genome position (GRCh38, 1-based): chr15:77,029,551, G>A. VCF-style: chr15-77029551-G-A. GRCh37 (hg19) VCF-style: chr15-77321892-G-A.
Other names: c.539G>A, p.Cys180Tyr (NM_001321135.2); c.512G>A, p.Cys171Tyr (NM_001321136.2); c.734G>A, p.Cys245Tyr (NM_001321137.1); c.539G>A (NM_003978.3); short protein forms C171Y, C180Y, C245Y.
Identifiers: ClinVar variation 1462611 (VCV001462611.6), dbSNP rs1337020537, ClinGen allele CA393520162.

ClinVar aggregate classification (germline): Uncertain significance. Review status: criteria provided, multiple submitters, no conflicts (2 of 4 stars). 2 submissions from 2 submitters: Uncertain significance (2). Last evaluated 2024-12-18.

Conditions:
Inborn genetic diseases. Identifiers: MedGen C0950123, MeSH D030342.
Pyogenic arthritis-pyoderma gangrenosum-acne syndrome (PAPA). Also called: PAPA SYNDROME; FAMILIAL RECURRENT ARTHRITIS. Identifiers: Orphanet 69126, MedGen C1858361, MONDO:0011462, OMIM 604416.

Allele frequency attached by ClinVar (database versions not stated): gnomAD exomes below 0.00001; TOPMed below 0.00001.

Submissions (2):

Labcorp Genetics (formerly Invitae), Labcorp
Classification: Uncertain significance for Pyogenic arthritis-pyoderma gangrenosum-acne syndrome. Last evaluated: 2024-12-18. Review status: criteria provided, single submitter. Criteria: Invitae Variant Classification Sherloc (09022015). Collection method: clinical testing. Allele origin: germline.
Comment: This sequence change replaces cysteine, which is neutral and slightly polar, with tyrosine, which is neutral and polar, at codon 180 of the PSTPIP1 protein (p.Cys180Tyr). This variant is not present in population databases (gnomAD no frequency). This variant has not been reported in the literature in individuals affected with PSTPIP1-related conditions. ClinVar contains an entry for this variant (Variation ID: 1462611). Invitae Evidence Modeling of protein sequence and biophysical properties (such as structural, functional, and spatial information, amino acid conservation, physicochemical variation, residue mobility, and thermodynamic stability) indicates that this missense variant is not expected to disrupt PSTPIP1 protein function with a negative predictive value of 80%. In summary, the available evidence is currently insufficient to determine the role of this variant in disease. Therefore, it has been classified as a Variant of Uncertain Significance.

Ambry Genetics
Classification: Uncertain significance for Inborn genetic diseases. Last evaluated: 2023-10-05. Review status: criteria provided, single submitter. Criteria: Ambry Variant Classification Scheme 2023. Collection method: clinical testing. Allele origin: germline.